The following is an entry in ClinVar:

ClinVar aggregate classification (germline): Pathogenic. Review status: criteria provided, single submitter (1 of 4 stars). 2 submissions from 2 submitters: Pathogenic (1). 1 of the submissions does not count toward it. Last evaluated 2022-08-16.

Conditions:
Hereditary spastic paraplegia 73. Also called: Spastic paraplegia 73, autosomal dominant. Identifiers: Orphanet 444099, MedGen C5568981, MONDO:0014568, OMIM 616282.

Allele frequency attached by ClinVar (database versions not stated): gnomAD exomes below 0.00001; TOPMed below 0.00001; gnomAD 0.00001.

Submissions (2):

Labcorp Genetics (formerly Invitae), Labcorp
Classification: Pathogenic for Hereditary spastic paraplegia 73. Last evaluated: 2022-08-16. Review status: criteria provided, single submitter. Criteria: Invitae Variant Classification Sherloc (09022015). Collection method: clinical testing. Allele origin: germline.
Comment: For these reasons, this variant has been classified as Pathogenic. ClinVar contains an entry for this variant (Variation ID: 1431343). This variant has not been reported in the literature in individuals affected with CPT1C-related conditions. This variant is not present in population databases (gnomAD no frequency). This sequence change creates a premature translational stop signal (p.Ile675Serfs*8) in the CPT1C gene. It is expected to result in an absent or disrupted protein product. Loss-of-function variants in CPT1C are known to be pathogenic (PMID: 30564185, 30911584).

OMIM
Classification: Uncertain significance for VARIANT OF UNKNOWN SIGNIFICANCE. Last evaluated: 2026-09-08. Review status: no assertion criteria provided. Collection method: literature only. Allele origin: germline. Not counted in ClinVar's aggregate classification.

Literature cited by the submitters: PubMed 30564185 (cited by Labcorp Genetics (formerly Invitae), Labcorp); PubMed 30911584 (cited by Labcorp Genetics (formerly Invitae), Labcorp); PubMed 39737739 (cited by OMIM); PubMed 41312619 (cited by OMIM).

NM_001199753.2(CPT1C):c.2057_2061del (p.Ile686fs)

Gene: CPT1C (carnitine palmitoyltransferase 1C; plus strand). Cytogenetic location: 19q13.33.
Variant type: Deletion.
Coding change: c.2057_2061del on transcript NM_001199753.2 (MANE Select); coding-DNA positions 2057 to 2061, 5 bases deleted (TCCCT; older notation c.2057_2061delTCCCT).
Protein change: p.Ile686fs; shifts the reading frame from isoleucine 686.
Molecular consequence: frameshift variant. On other transcripts: non-coding transcript variant (1).
Genome position (GRCh38, 1-based): chr19:49,712,773-49,712,777, TCCCT deleted. VCF-style (leftmost placement, unchanged base first): chr19-49712772-ATCCCT-A. GRCh37 (hg19) VCF-style: chr19-50216029-ATCCCT-A.
Other names: c.2024_2028del, p.Ile675fs (NM_001136052.3, NM_001378485.1); c.2057_2061del, p.Ile686fs (NM_001199752.3, NM_001378483.1, NM_001378484.1 and 1 more transcripts); c.2123_2127del, p.Ile708fs (NM_001378482.1); c.1922_1926del, p.Ile641fs (NM_001378486.1, NM_001378488.1); c.1889_1893del, p.Ile630fs (NM_001378487.1); short protein forms I630fs, I708fs, I641fs, I686fs, I675fs.
Identifiers: ClinVar variation 1431343 (VCV001431343.7), dbSNP rs1568547326, ClinGen allele CA508133111.